The following is an entry in ClinVar:

ClinVar aggregate classification (germline): Pathogenic (1 of 4 stars; one submission).

Conditions:
Niemann-Pick disease, type B. Also called: Chronic Visceral ASMD (Niemann-Pick Disease Type B; NPD-B). Identifiers: Orphanet 77293, MedGen C0268243, MONDO:0011871, OMIM 607616. Disease mechanism: loss of function.
Niemann-Pick disease, type A. Also called: Infantile Neurovisceral ASMD (Niemann-Pick Disease Type A; NPD-A); SPHINGOMYELIN LIPIDOSIS; SPHINGOMYELINASE DEFICIENCY. Identifiers: Orphanet 77292, MedGen C0268242, MONDO:0009756, OMIM 257200. Disease mechanism: loss of function.

Submission:

Labcorp Genetics (formerly Invitae), Labcorp
Classification: Pathogenic for Niemann-Pick disease, type B; Niemann-Pick disease, type A. Last evaluated: 2022-01-02. Review status: criteria provided, single submitter. Criteria: Invitae Variant Classification Sherloc (09022015). Collection method: clinical testing. Allele origin: germline.
Comment: For these reasons, this variant has been classified as Pathogenic. This variant has not been reported in the literature in individuals affected with SMPD1-related conditions. This variant is not present in population databases (gnomAD no frequency). This sequence change creates a premature translational stop signal (p.Ser436Glufs*14) in the SMPD1 gene. It is expected to result in an absent or disrupted protein product. Loss-of-function variants in SMPD1 are known to be pathogenic (PMID: 12369017, 15221801).

Literature cited by the submitters: PubMed 12369017; PubMed 15221801.

NM_000543.5(SMPD1):c.1304dup (p.Ser436fs)

Gene: SMPD1 (sphingomyelin phosphodiesterase 1; plus strand). Cytogenetic location: 11p15.4.
Variant type: Duplication.
Coding change: c.1304dup on transcript NM_000543.5 (MANE Select); coding-DNA position 1304, one base duplicated (A; older notation c.1304dupA).
Protein change: p.Ser436fs; shifts the reading frame from serine 436.
Molecular consequence: frameshift variant. On other transcripts: non-coding transcript variant (2).
Genome position (GRCh38, 1-based): chr11:6,393,657, A duplicated; the last of 2 consecutive A bases (chr11:6,393,656-6,393,657); duplicating either gives the same sequence. VCF-style (leftmost placement, unchanged base first): chr11-6393655-G-GA. GRCh37 (hg19) VCF-style: chr11-6414885-G-GA.
Other names: c.1301dup, p.Ser435fs (NM_001007593.3); c.1304dup, p.Ser436fs (NM_001318087.2); c.383dup, p.Ser129fs (NM_001318088.2); c.1172dup, p.Ser392fs (NM_001365135.2); short protein forms S392fs, S129fs, S435fs, S436fs.
Identifiers: ClinVar variation 2070241 (VCV002070241.4), dbSNP rs2493816928, ClinGen allele CA2580083945.